The following is an entry in ClinVar:

NM_000376.3(VDR):c.541G>A (p.Asp181Asn)

Gene: VDR (vitamin D receptor; minus strand). Cytogenetic location: 12q13.11.
Variant type: single nucleotide variant.
Coding change: c.541G>A on transcript NM_000376.3 (MANE Select); coding-DNA position 541, G replaced by A.
Protein change: p.Asp181Asn; replaces aspartic acid 181 with asparagine.
Molecular consequence: missense variant.
Genome position (GRCh38, 1-based): chr12:47,857,171, C>T on the plus strand (G>A on the coding strand, the complement: VDR is on the minus strand). VCF-style: chr12-47857171-C-T. GRCh37 (hg19) VCF-style: chr12-48250954-C-T.
Other names: c.541G>A (NM_001017535.1); c.541G>A, p.Asp181Asn (NM_001017535.2, NM_001364085.2, NM_001374661.1 and 1 more transcripts); c.691G>A, p.Asp231Asn (NM_001017536.2); short protein forms D181N, D231N.
Identifiers: ClinVar variation 1979236 (VCV001979236.3), dbSNP rs371280533, ClinGen allele CA6533918.
Genomic context (GRCh38, chr12:47,857,171, plus strand): 5'-GACTGAAGTCCTGCTTACCTGAAGAGGTGATACAGTGATCTGAGCAGGAGGAGGAGGAGT[C>T]CCCAGAGAAGCTGGGAGTGTGTCTGGAGTTGGGCCTGGAAGGATGGCTCCCTCCACCATC-3'
Protein context (NP_000367.1, residues 171-191): NSRHTPSFSG[Asp181Asn]SSSSCSDHCI

ClinVar aggregate classification (germline): Uncertain significance. Review status: criteria provided, multiple submitters, no conflicts (2 of 4 stars). 3 submissions from 3 submitters: Uncertain significance (3). Last evaluated 2025-11-12.

Conditions:
Inborn genetic diseases. Identifiers: MedGen C0950123, MeSH D030342.
Vitamin D-dependent rickets type II with alopecia (VDDR2A). Also called: VITAMIN D-DEPENDENT RICKETS, TYPE 2A, WITH OR WITHOUT ALOPECIA; VITAMIN D-RESISTANT RICKETS WITH END-ORGAN UNRESPONSIVENESS TO 1,25-DIHYDROXYCHOLECALCIFEROL; GENERALIZED RESISTANCE TO 1,25-DIHYDROXYVITAMIN D; HYPOCALCEMIC VITAMIN D-RESISTANT RICKETS; PDDR IIA; PSEUDOVITAMIN D-DEFICIENCY, TYPE IIA. Identifiers: Orphanet 93160, MedGen C0342646, MONDO:0010186, OMIM 277440.

Allele frequency attached by ClinVar (database versions not stated): ExAC 0.00001; gnomAD exomes 0.00001; gnomAD 0.00003; TOPMed 0.00003; ESP Exome Variant Server 0.00008.
gnomAD v4.1: 16 of 1,614,012 alleles (0.00099%); highest among the groups gnomAD compares: African/African-American, 0.0067%; no homozygotes.

Submissions (3):

Ambry Genetics
Classification: Uncertain significance for Inborn genetic diseases. Last evaluated: 2025-11-12. Review status: criteria provided, single submitter. Criteria: Ambry Variant Classification Scheme 2023. Collection method: clinical testing. Allele origin: germline.

Fulgent Genetics
Classification: Uncertain significance for Vitamin D-dependent rickets type II with alopecia. Last evaluated: 2024-03-27. Review status: criteria provided, single submitter. Criteria: ACMG Guidelines, 2015. Collection method: clinical testing. Allele origin: germline.

Labcorp Genetics (formerly Invitae), Labcorp
Classification: Uncertain significance. Last evaluated: 2022-08-12. Review status: criteria provided, single submitter. Criteria: Invitae Variant Classification Sherloc (09022015). Collection method: clinical testing. Allele origin: germline.
Comment: This sequence change replaces aspartic acid, which is acidic and polar, with asparagine, which is neutral and polar, at codon 181 of the VDR protein (p.Asp181Asn). This variant is present in population databases (rs371280533, gnomAD 0.01%). This variant has not been reported in the literature in individuals affected with VDR-related conditions. Algorithms developed to predict the effect of missense changes on protein structure and function output the following: SIFT: "Tolerated"; PolyPhen-2: "Benign"; Align-GVGD: "Class C0". The asparagine amino acid residue is found in multiple mammalian species, which suggests that this missense change does not adversely affect protein function. In summary, the available evidence is currently insufficient to determine the role of this variant in disease. Therefore, it has been classified as a Variant of Uncertain Significance.